The following is an entry in ClinVar:

NM_001379081.2(FREM1):c.3048G>A (p.Thr1016=)

Gene: FREM1 (FRAS1 related extracellular matrix 1; minus strand). Cytogenetic location: 9p22.3.
Variant type: single nucleotide variant.
Coding change: c.3048G>A on transcript NM_001379081.2 (MANE Select); coding-DNA position 3048, G replaced by A.
Protein change: p.Thr1016=; no amino-acid change (threonine 1016 retained).
Molecular consequence: synonymous variant. On other transcripts: non-coding transcript variant (2).
Genome position (GRCh38, 1-based): chr9:14,807,980, C>T on the plus strand (G>A on the coding strand, the complement: FREM1 is on the minus strand). VCF-style: chr9-14807980-C-T. GRCh37 (hg19) VCF-style: chr9-14807978-C-T.
Other names: p.Thr1016=; c.3048G>A, p.Thr1016= (NM_144966.7).
Identifiers: ClinVar variation 366136 (VCV000366136.18), dbSNP rs61732546, ClinGen allele CA4990711.

ClinVar aggregate classification (germline): Benign. Review status: criteria provided, multiple submitters, no conflicts (2 of 4 stars). 5 submissions from 5 submitters: Benign (5). Last evaluated 2026-01-31.

Conditions:
Oculotrichoanal syndrome (MOTA). Also called: MARLES SYNDROME; Manitoba Oculotrichoanal (MOTA) Syndrome. Identifiers: Orphanet 2717, MedGen C1855425, MONDO:0009560, OMIM 248450.

Allele frequency attached by ClinVar (database versions not stated): gnomAD exomes 0.00238 and 0.00619; ExAC 0.00744; gnomAD 0.02431 and 0.02603; 1000 Genomes Project 0.02636; TOPMed 0.02721; ESP Exome Variant Server 0.02737; 1000 Genomes Project 30x 0.02936.
gnomAD v4.1: 7,348 of 1,613,626 alleles (0.46%); highest among the groups gnomAD compares: African/African-American, 8.5%; 311 homozygotes.

Submissions (5):

Labcorp Genetics (formerly Invitae), Labcorp
Classification: Benign. Last evaluated: 2026-01-31. Review status: criteria provided, single submitter. Criteria: Invitae Variant Classification Sherloc (09022015). Collection method: clinical testing. Allele origin: germline.

Mayo Clinic Laboratories, Mayo Clinic
Classification: Benign. Last evaluated: 2023-04-03. Review status: criteria provided, single submitter. Criteria: ACMG Guidelines, 2015. Collection method: clinical testing. Allele origin: germline. Observed: 3 variant alleles.

GeneDx
Classification: Benign. Last evaluated: 2021-05-04. Review status: criteria provided, single submitter. Criteria: GeneDx Variant Classification Process June 2021. Collection method: clinical testing. Allele origin: germline. Affected: yes.

Illumina Laboratory Services, Illumina
Classification: Benign for Oculotrichoanal syndrome. Last evaluated: 2018-01-12. Review status: criteria provided, single submitter. Criteria: ICSL Variant Classification Criteria 13 December 2019. Collection method: clinical testing. Allele origin: germline.
Comment: This variant was observed in the ICSL laboratory as part of a predisposition screen in an ostensibly healthy population. It had not been previously curated by ICSL or reported in the Human Gene Mutation Database (HGMD: prior to June 1st, 2018), and was therefore a candidate for classification through an automated scoring system. Utilizing variant allele frequency, disease prevalence and penetrance estimates, and inheritance mode, an automated score was calculated to assess if this variant is too frequent to cause the disease. Based on the score and internal cut-off values, a variant classified as benign is not then subjected to further curation. The score for this variant resulted in a classification of benign for this disease.

Breakthrough Genomics
Classification: Benign. Review status: criteria provided, single submitter. Criteria: ACMG Guidelines, 2015. Collection method: not provided. Allele origin: germline. Inheritance: Autosomal recessive inheritance. Affected: yes.